The following is an entry in ClinVar:

NM_001003841.3(SLC6A19):c.931G>A (p.Gly311Ser)

Gene: SLC6A19 (solute carrier family 6 member 19; plus strand). Cytogenetic location: 5p15.33.
Variant type: single nucleotide variant.
Coding change: c.931G>A on transcript NM_001003841.3 (MANE Select); coding-DNA position 931, G replaced by A.
Protein change: p.Gly311Ser; replaces glycine 311 with serine.
Molecular consequence: missense variant.
Genome position (GRCh38, 1-based): chr5:1,216,601, G>A. VCF-style: chr5-1216601-G-A. GRCh37 (hg19) VCF-style: chr5-1216716-G-A.
Other names: short protein forms G311S.
Identifiers: ClinVar variation 1318928 (VCV001318928.6), dbSNP rs769128652, ClinGen allele CA3182957.

ClinVar aggregate classification (germline): Uncertain significance. Review status: criteria provided, multiple submitters, no conflicts (2 of 4 stars). 3 submissions from 3 submitters: Uncertain significance (3). Last evaluated 2024-01-04.

Conditions:
Inborn genetic diseases. Identifiers: MedGen C0950123, MeSH D030342.

Allele frequency attached by ClinVar (database versions not stated): ExAC 0.00001; gnomAD exomes 0.00001; TOPMed 0.00001; gnomAD 0.00002.

Submissions (3):

Ambry Genetics
Classification: Uncertain significance for Inborn genetic diseases. Last evaluated: 2024-01-04. Review status: criteria provided, single submitter. Criteria: Ambry Variant Classification Scheme 2023. Collection method: clinical testing. Allele origin: germline.

Labcorp Genetics (formerly Invitae), Labcorp
Classification: Uncertain significance. Last evaluated: 2022-08-09. Review status: criteria provided, single submitter. Criteria: Invitae Variant Classification Sherloc (09022015). Collection method: clinical testing. Allele origin: germline.
Comment: In summary, the available evidence is currently insufficient to determine the role of this variant in disease. Therefore, it has been classified as a Variant of Uncertain Significance. Algorithms developed to predict the effect of sequence changes on RNA splicing suggest that this variant may create or strengthen a splice site. Algorithms developed to predict the effect of missense changes on protein structure and function (SIFT, PolyPhen-2, Align-GVGD) all suggest that this variant is likely to be disruptive. ClinVar contains an entry for this variant (Variation ID: 1318928). This variant has not been reported in the literature in individuals affected with SLC6A19-related conditions. This variant is present in population databases (rs769128652, gnomAD 0.003%). This sequence change replaces glycine, which is neutral and non-polar, with serine, which is neutral and polar, at codon 311 of the SLC6A19 protein (p.Gly311Ser).

GeneDx
Classification: Uncertain significance. Last evaluated: 2019-03-15. Review status: criteria provided, single submitter. Criteria: GeneDx Variant Classification Process June 2021. Collection method: clinical testing. Allele origin: germline. Affected: yes.
Comment: In silico analysis, which includes protein predictors and evolutionary conservation, supports that this variant does not alter protein structure/function; Has not been previously published as pathogenic or benign to our knowledge